The following is an entry in ClinVar:

NM_012144.4(DNAI1):c.763G>A (p.Ala255Thr)

Gene: DNAI1 (dynein axonemal intermediate chain 1; plus strand). Cytogenetic location: 9p13.3.
Variant type: single nucleotide variant.
Coding change: c.763G>A on transcript NM_012144.4 (MANE Select); coding-DNA position 763, G replaced by A.
Protein change: p.Ala255Thr; replaces alanine 255 with threonine.
Molecular consequence: missense variant.
Genome position (GRCh38, 1-based): chr9:34,493,275, G>A. VCF-style: chr9-34493275-G-A. GRCh37 (hg19) VCF-style: chr9-34493273-G-A.
Other names: c.775G>A, p.Ala259Thr (NM_001281428.2); short protein forms A259T, A255T.
Identifiers: ClinVar variation 1935120 (VCV001935120.5), dbSNP rs373703151, ClinGen allele CA373249279.

ClinVar aggregate classification (germline): Uncertain significance (1 of 4 stars; one submission).

Conditions:
Primary ciliary dyskinesia. Also called: Ciliary dyskinesia. Identifiers: Orphanet 244, MedGen C0008780, MONDO:0016575, HP:0012265.

Submission:

Labcorp Genetics (formerly Invitae), Labcorp
Classification: Uncertain significance for Primary ciliary dyskinesia. Last evaluated: 2024-04-15. Review status: criteria provided, single submitter. Criteria: Invitae Variant Classification Sherloc (09022015). Collection method: clinical testing. Allele origin: germline.
Comment: This sequence change replaces alanine, which is neutral and non-polar, with threonine, which is neutral and polar, at codon 255 of the DNAI1 protein (p.Ala255Thr). This variant is not present in population databases (gnomAD no frequency). This variant has not been reported in the literature in individuals affected with DNAI1-related conditions. ClinVar contains an entry for this variant (Variation ID: 1935120). Advanced modeling of protein sequence and biophysical properties (such as structural, functional, and spatial information, amino acid conservation, physicochemical variation, residue mobility, and thermodynamic stability) performed at Invitae indicates that this missense variant is not expected to disrupt DNAI1 protein function with a negative predictive value of 95%. In summary, the available evidence is currently insufficient to determine the role of this variant in disease. Therefore, it has been classified as a Variant of Uncertain Significance.